The following is an entry in ClinVar:

ClinVar aggregate classification (germline): Uncertain significance (1 of 4 stars; one submission).

Conditions:
Hereditary spastic paraplegia 11. Also called: Spastic paraplegia, mental retardation and thin corpus callosum; Nakamura Osame syndrome; Autosomal recessive hereditary spastic paraplegia, mental impairment, and thin corpus callosum; SPASTIC PARAPLEGIA, AUTOSOMAL RECESSIVE, COMPLICATED, WITH THIN CORPUS CALLOSUM; SPASTIC PARAPLEGIA, AUTOSOMAL RECESSIVE, WITH MENTAL IMPAIRMENT AND THIN CORPUS CALLOSUM; Spastic Paraplegia 11. Identifiers: Orphanet 2822, MedGen C1858479, MONDO:0011445, OMIM 604360.

Allele frequency attached by ClinVar (database versions not stated): gnomAD exomes below 0.00001; TOPMed below 0.00001; gnomAD 0.00001.

Submission:

Labcorp Genetics (formerly Invitae), Labcorp
Classification: Uncertain significance for Hereditary spastic paraplegia 11. Last evaluated: 2024-05-15. Review status: criteria provided, single submitter. Criteria: Invitae Variant Classification Sherloc (09022015). Collection method: clinical testing. Allele origin: germline.
Comment: This sequence change replaces threonine, which is neutral and polar, with lysine, which is basic and polar, at codon 1652 of the SPG11 protein (p.Thr1652Lys). This variant is not present in population databases (gnomAD no frequency). This variant has not been reported in the literature in individuals affected with SPG11-related conditions. ClinVar contains an entry for this variant (Variation ID: 1918684). Advanced modeling of protein sequence and biophysical properties (such as structural, functional, and spatial information, amino acid conservation, physicochemical variation, residue mobility, and thermodynamic stability) has been performed at Invitae for this missense variant, however the output from this modeling did not meet the statistical confidence thresholds required to predict the impact of this variant on SPG11 protein function. In summary, the available evidence is currently insufficient to determine the role of this variant in disease. Therefore, it has been classified as a Variant of Uncertain Significance.

NM_025137.4(SPG11):c.4955C>A (p.Thr1652Lys)

Gene: SPG11 (SPG11 vesicle trafficking associated, spatacsin; minus strand). Cytogenetic location: 15q21.1.
Variant type: single nucleotide variant.
Coding change: c.4955C>A on transcript NM_025137.4 (MANE Select); coding-DNA position 4955, C replaced by A.
Protein change: p.Thr1652Lys; replaces threonine 1652 with lysine.
Molecular consequence: missense variant.
Genome position (GRCh38, 1-based): chr15:44,585,802, G>T on the plus strand (C>A on the coding strand, the complement: SPG11 is on the minus strand). VCF-style: chr15-44585802-G-T. GRCh37 (hg19) VCF-style: chr15-44878000-G-T.
Other names: c.4955C>A, p.Thr1652Lys (NM_001160227.2, NM_001411132.1); short protein forms T1652K.
Identifiers: ClinVar variation 1918684 (VCV001918684.5), dbSNP rs2082749902, ClinGen allele CA392223634.